The following is an entry in ClinVar:

NM_007215.4(POLG2):c.1398G>A (p.Met466Ile)

Genes: MILR1 (mast cell immunoglobulin like receptor 1; plus strand), POLG2 (DNA polymerase gamma 2, accessory subunit; minus strand). Cytogenetic location: 17q23.3.
Variant type: single nucleotide variant.
Coding change: c.1398G>A on transcript NM_007215.4 (MANE Select); coding-DNA position 1398, G replaced by A.
Protein change: p.Met466Ile; replaces methionine 466 with isoleucine.
Molecular consequence: missense variant.
Genome position (GRCh38, 1-based): chr17:64,477,883, C>T on the plus strand (G>A on the coding strand, the complement: POLG2 is on the minus strand). VCF-style: chr17-64477883-C-T. GRCh37 (hg19) VCF-style: chr17-62474000-C-T.
Other names: short protein forms M466I.
Identifiers: ClinVar variation 3611538 (VCV003611538.2).

ClinVar aggregate classification (germline): Uncertain significance (1 of 4 stars; one submission).

gnomAD v4.1: 1 of 1,613,282 alleles (0.000062%); highest among the groups gnomAD compares: Non-Finnish European, 0.000085%; no homozygotes.

Submission:

Labcorp Genetics (formerly Invitae), Labcorp
Classification: Uncertain significance. Last evaluated: 2025-05-05. Review status: criteria provided, single submitter. Criteria: Invitae Variant Classification Sherloc (09022015). Collection method: clinical testing. Allele origin: germline.
Comment: This sequence change replaces methionine, which is neutral and non-polar, with isoleucine, which is neutral and non-polar, at codon 466 of the POLG2 protein (p.Met466Ile). This variant is present in population databases (rs781881341, gnomAD 0.0009%). This variant has not been reported in the literature in individuals affected with POLG2-related conditions. ClinVar contains an entry for this variant (Variation ID: 3611538). An algorithm developed to predict the effect of missense changes on protein structure and function (PolyPhen-2) suggests that this variant is likely to be disruptive. In summary, the available evidence is currently insufficient to determine the role of this variant in disease. Therefore, it has been classified as a Variant of Uncertain Significance.